The following is an entry in ClinVar:

ClinVar aggregate classification (germline): Uncertain significance (1 of 4 stars; one submission).

Allele frequency attached by ClinVar (database versions not stated): gnomAD exomes 0.00001; TOPMed 0.00001.
gnomAD v4.1: 9 of 1,614,132 alleles (0.00056%); highest among the groups gnomAD compares: Non-Finnish European, 0.00076%; no homozygotes.

Submission:

Women's Health and Genetics/Laboratory Corporation of America, LabCorp
Classification: Uncertain significance. Last evaluated: 2024-04-19. Review status: criteria provided, single submitter. Criteria: LabCorp Variant Classification Summary - May 2015. Collection method: clinical testing. Allele origin: germline.
Comment: Variant summary: ARCN1 c.319T>C (p.Phe107Leu) results in a non-conservative amino acid change located in the AP complex, mu/sigma subunit of the encoded protein sequence. Four of five in-silico tools predict a damaging effect of the variant on protein function. The variant allele was found at a frequency of 6.2e-06 in 1461868 control chromosomes. The available data on variant occurrences in the general population are insufficient to allow any conclusion about variant significance. To our knowledge, no occurrence of c.319T>C in individuals affected with Short Stature, Rhizomelic, With Microcephaly, Micrognathia, And Developmental Delay and no experimental evidence demonstrating its impact on protein function have been reported. No submitters have cited clinical-significance assessments for this variant to ClinVar. Based on the evidence outlined above, the variant was classified as uncertain significance.

NM_001655.5(ARCN1):c.319T>C (p.Phe107Leu)

Gene: ARCN1 (archain 1; plus strand). Cytogenetic location: 11q23.3.
Variant type: single nucleotide variant.
Coding change: c.319T>C on transcript NM_001655.5 (MANE Select); coding-DNA position 319, T replaced by C.
Protein change: p.Phe107Leu; replaces phenylalanine 107 with leucine.
Molecular consequence: missense variant.
Genome position (GRCh38, 1-based): chr11:118,583,230, T>C. VCF-style: chr11-118583230-T-C. GRCh37 (hg19) VCF-style: chr11-118453945-T-C.
Other names: c.55T>C, p.Phe19Leu (NM_001142281.2); short protein forms F107L, F19L.
Identifiers: ClinVar variation 3251848 (VCV003251848.1), dbSNP rs1311624377.